The following is an entry in ClinVar:

ClinVar aggregate classification (germline): Uncertain significance (1 of 4 stars; one submission).

Conditions:
DOCK2 deficiency. Also called: Immunodeficiency 40. Identifiers: Orphanet 447737, MedGen C4225328, MONDO:0014637, OMIM 616433.

Allele frequency attached by ClinVar (database versions not stated): gnomAD exomes below 0.00001.
gnomAD v4.1: 3 of 1,614,042 alleles (0.00019%); highest among the groups gnomAD compares: Non-Finnish European, 0.00025%; no homozygotes.

Submission:

Labcorp Genetics (formerly Invitae), Labcorp
Classification: Uncertain significance for DOCK2 deficiency. Last evaluated: 2021-07-27. Review status: criteria provided, single submitter. Criteria: Invitae Variant Classification Sherloc (09022015). Collection method: clinical testing. Allele origin: germline.
Comment: This variant is not present in population databases (ExAC no frequency). This sequence change replaces asparagine with tyrosine at codon 474 of the DOCK2 protein (p.Asn474Tyr). The asparagine residue is weakly conserved and there is a large physicochemical difference between asparagine and tyrosine. This variant has not been reported in the literature in individuals affected with DOCK2-related conditions. In summary, the available evidence is currently insufficient to determine the role of this variant in disease. Therefore, it has been classified as a Variant of Uncertain Significance. Algorithms developed to predict the effect of sequence changes on RNA splicing suggest that this variant may create or strengthen a splice site. Algorithms developed to predict the effect of missense changes on protein structure and function (SIFT, PolyPhen-2, Align-GVGD) all suggest that this variant is likely to be tolerated.

NM_004946.3(DOCK2):c.1420A>T (p.Asn474Tyr)

Gene: DOCK2 (dedicator of cytokinesis 2; plus strand). Cytogenetic location: 5q35.1.
Variant type: single nucleotide variant.
Coding change: c.1420A>T on transcript NM_004946.3 (MANE Select); coding-DNA position 1420, A replaced by T.
Protein change: p.Asn474Tyr; replaces asparagine 474 with tyrosine.
Molecular consequence: missense variant. On other transcripts: non-coding transcript variant (1).
Genome position (GRCh38, 1-based): chr5:169,708,205, A>T. VCF-style: chr5-169708205-A-T. GRCh37 (hg19) VCF-style: chr5-169135209-A-T.
Other names: short protein forms N474Y.
Identifiers: ClinVar variation 1370349 (VCV001370349.4), dbSNP rs1186355547, ClinGen allele CA362106523.